The following is an entry in ClinVar:

NM_002755.4(MAP2K1):c.161T>C (p.Leu54Pro)

Gene: MAP2K1 (mitogen-activated protein kinase kinase 1; plus strand). Cytogenetic location: 15q22.31.
Variant type: single nucleotide variant.
Coding change: c.161T>C on transcript NM_002755.4 (MANE Select); coding-DNA position 161, T replaced by C.
Protein change: p.Leu54Pro; replaces leucine 54 with proline.
Molecular consequence: missense variant.
Genome position (GRCh38, 1-based): chr15:66,435,107, T>C. VCF-style: chr15-66435107-T-C. GRCh37 (hg19) VCF-style: chr15-66727445-T-C.
Other names: short protein forms L54P.
Identifiers: ClinVar variation 1506502 (VCV001506502.8), dbSNP rs2140578916, ClinGen allele CA392929208.

ClinVar aggregate classification (germline): Pathogenic (1 of 4 stars; one submission).

Conditions:
RASopathy. Also called: Noonan spectrum disorder; rasopathies. Identifiers: Orphanet 536391, MedGen C5555857, MONDO:0021060.

Submission:

Labcorp Genetics (formerly Invitae), Labcorp
Classification: Pathogenic for RASopathy. Last evaluated: 2023-10-17. Review status: criteria provided, single submitter. Criteria: Invitae Variant Classification Sherloc (09022015). Collection method: clinical testing. Allele origin: germline.
Comment: This sequence change replaces leucine, which is neutral and non-polar, with proline, which is neutral and non-polar, at codon 54 of the MAP2K1 protein (p.Leu54Pro). This variant is not present in population databases (gnomAD no frequency). This missense change has been observed in individual(s) with MAP2K1-related conditions (Invitae). In at least one individual the variant was observed to be de novo. ClinVar contains an entry for this variant (Variation ID: 1506502). Advanced modeling of protein sequence and biophysical properties (such as structural, functional, and spatial information, amino acid conservation, physicochemical variation, residue mobility, and thermodynamic stability) performed at Invitae indicates that this missense variant is not expected to disrupt MAP2K1 protein function. For these reasons, this variant has been classified as Pathogenic.